The following is an entry in ClinVar:

ClinVar aggregate classification (germline): Uncertain significance (1 of 4 stars; one submission).

Conditions:
SETD2-related disorder.

gnomAD v4.1: 1 of 1,614,108 alleles (0.000062%); highest among the groups gnomAD compares: Non-Finnish European, 0.000085%; no homozygotes.

Submission:

PreventionGenetics, part of Exact Sciences
Classification: Uncertain significance for SETD2-related condition. Last evaluated: 2025-11-21. Review status: criteria provided, single submitter. Criteria: ACMG Guidelines, 2015. Collection method: clinical testing. Allele origin: germline.
Comment: The SETD2 c.7232T>C variant is predicted to result in the amino acid substitution p.Ile2411Thr. To our knowledge, this variant has not been reported in the literature or in a large population database (gnomAD), indicating this variant is rare. At this time, the clinical significance of this variant is uncertain due to the absence of conclusive functional and genetic evidence.

NM_014159.7(SETD2):c.7232T>C (p.Ile2411Thr)

Gene: SETD2 (SET domain containing 2, histone lysine methyltransferase; minus strand). Cytogenetic location: 3p21.31.
Variant type: single nucleotide variant.
Coding change: c.7232T>C on transcript NM_014159.7 (MANE Select); coding-DNA position 7232, T replaced by C.
Protein change: p.Ile2411Thr; replaces isoleucine 2411 with threonine.
Molecular consequence: missense variant. On other transcripts: non-coding transcript variant (1).
Genome position (GRCh38, 1-based): chr3:47,042,567, A>G on the plus strand (T>C on the coding strand, the complement: SETD2 is on the minus strand). VCF-style: chr3-47042567-A-G. GRCh37 (hg19) VCF-style: chr3-47084057-A-G.
Other names: c.7100T>C, p.Ile2367Thr (NM_001349370.3); short protein forms I2411T, I2367T.
Identifiers: ClinVar variation 4982285 (VCV004982285.1).
Genomic context (GRCh38, chr3:47,042,567, plus strand): 5'-ACTTCTTTGATTAAGTAAAAGCAGACATGGGAACGCCCATACAGCTCCTCTTACCTTGTG[A>G]TCACATGGTAGTAATAAATCTTCCCTTCTGGATCTCGAGCTGTCTTCCAGTTGGGAGGTA-3'
Protein context (NP_054878.5, residues 2401-2421): PEGKIYYYHV[Ile2411Thr]TRQTQWDPPT